The following is an entry in ClinVar:

ClinVar aggregate classification (germline): Benign (1 of 4 stars; one submission).

Conditions:
Familial benign pemphigus (HHD). Identifiers: Orphanet 2841, MedGen C0085106, MONDO:0008218, OMIM 169600.

Allele frequency attached by ClinVar (database versions not stated): gnomAD 0.00108 and 0.00141; gnomAD exomes 0.00016; 1000 Genomes Project 30x 0.00734; TOPMed 0.00150; 1000 Genomes Project 0.00759.
gnomAD v4.1: 430 of 973,768 alleles (0.044%); highest among the groups gnomAD compares: East Asian, 3.4%; 10 homozygotes.

Submission:

Illumina Laboratory Services, Illumina
Classification: Benign for Familial benign pemphigus. Last evaluated: 2018-01-12. Review status: criteria provided, single submitter. Criteria: ICSL Variant Classification Criteria 13 December 2019. Collection method: clinical testing. Allele origin: germline.
Comment: This variant was observed in the ICSL laboratory as part of a predisposition screen in an ostensibly healthy population. It had not been previously curated by ICSL or reported in the Human Gene Mutation Database (HGMD: prior to June 1st, 2018), and was therefore a candidate for classification through an automated scoring system. Utilizing variant allele frequency, disease prevalence and penetrance estimates, and inheritance mode, an automated score was calculated to assess if this variant is too frequent to cause the disease. Based on the score and internal cut-off values, a variant classified as benign is not then subjected to further curation. The score for this variant resulted in a classification of benign for this disease.

NM_014382.3(ATP2C1):c.*1839A>G

Gene: ATP2C1 (ATPase secretory pathway Ca2+ transporting 1; plus strand). Cytogenetic location: 3q22.1.
Variant type: single nucleotide variant.
Coding change: c.*1839A>G on transcript NM_014382.3; 1839 bases downstream of the stop codon, A replaced by G.
Molecular consequence: intron variant (on NM_001001485.3).
Genome position (GRCh38, 1-based): chr3:131,003,189, A>G. VCF-style: chr3-131003189-A-G. GRCh37 (hg19) VCF-style: chr3-130722033-A-G.
Other names: c.2629+3530A>G (NM_001001485.3, NM_001199185.2); c.2754+1845A>G (NM_001378512.1, NM_001001486.2); c.2724+1875A>G (NM_001378513.1, NM_001001487.2); c.2706+1845A>G (NM_001378514.1); c.2676+1875A>G (NM_001199183.2); c.2856+1845A>G (NM_001378511.1); c.2826+1875A>G (NM_001199180.2); c.2739+1845A>G (NM_001199182.2).
Identifiers: ClinVar variation 343351 (VCV000343351.7), dbSNP rs141516276, ClinGen allele CA10617273.